The following is an entry in ClinVar:

ClinVar aggregate classification (germline): Uncertain significance (1 of 4 stars; one submission).

Conditions:
Woodhouse-Sakati syndrome. Also called: Hypogonadism, Alopecia, Diabetes Mellitus, Mental Retardation, and Extrapyramidal Syndrome; EXTRAPYRAMIDAL DISORDER, PROGRESSIVE, WITH PRIMARY HYPOGONADISM, MENTAL RETARDATION, AND ALOPECIA; Hypogonadism, diabetes mellitus, alopecia, mental retardation and electrocardiographic abnormalities. Identifiers: Orphanet 3464, MedGen C0342286, MONDO:0009419, OMIM 241080.

Allele frequency attached by ClinVar (database versions not stated): gnomAD exomes below 0.00001.
gnomAD v4.1: 3 of 1,613,616 alleles (0.00019%); highest among the groups gnomAD compares: East Asian, 0.0022%; no homozygotes.

Submission:

Labcorp Genetics (formerly Invitae), Labcorp
Classification: Uncertain significance for Woodhouse-Sakati syndrome. Last evaluated: 2024-04-10. Review status: criteria provided, single submitter. Criteria: Invitae Variant Classification Sherloc (09022015). Collection method: clinical testing. Allele origin: germline.
Comment: This sequence change replaces serine, which is neutral and polar, with asparagine, which is neutral and polar, at codon 465 of the DCAF17 protein (p.Ser465Asn). This variant is not present in population databases (gnomAD no frequency). This variant has not been reported in the literature in individuals affected with DCAF17-related conditions. ClinVar contains an entry for this variant (Variation ID: 2015437). Advanced modeling of protein sequence and biophysical properties (such as structural, functional, and spatial information, amino acid conservation, physicochemical variation, residue mobility, and thermodynamic stability) performed at Invitae indicates that this missense variant is not expected to disrupt DCAF17 protein function with a negative predictive value of 80%. In summary, the available evidence is currently insufficient to determine the role of this variant in disease. Therefore, it has been classified as a Variant of Uncertain Significance.

NM_025000.4(DCAF17):c.1394G>A (p.Ser465Asn)

Gene: DCAF17 (DDB1 and CUL4 associated factor 17; plus strand). Cytogenetic location: 2q31.1.
Variant type: single nucleotide variant.
Coding change: c.1394G>A on transcript NM_025000.4 (MANE Select); coding-DNA position 1394, G replaced by A.
Protein change: p.Ser465Asn; replaces serine 465 with asparagine.
Molecular consequence: missense variant. On other transcripts: non-coding transcript variant (1).
Genome position (GRCh38, 1-based): chr2:171,480,165, G>A. VCF-style: chr2-171480165-G-A. GRCh37 (hg19) VCF-style: chr2-172336675-G-A.
Other names: c.1193G>A, p.Ser398Asn (NM_001164821.2); short protein forms S398N, S465N.
Identifiers: ClinVar variation 2015437 (VCV002015437.4), dbSNP rs2529808505, ClinGen allele CA349279668.